The following is an entry in ClinVar:

ClinVar aggregate classification (germline): Uncertain significance (1 of 4 stars; one submission).

Submission:

Labcorp Genetics (formerly Invitae), Labcorp
Classification: Uncertain significance. Last evaluated: 2024-02-22. Review status: criteria provided, single submitter. Criteria: Invitae Variant Classification Sherloc (09022015). Collection method: clinical testing. Allele origin: germline.
Comment: This sequence change replaces arginine, which is basic and polar, with leucine, which is neutral and non-polar, at codon 300 of the BCL11B protein (p.Arg300Leu). This variant is not present in population databases (gnomAD no frequency). This variant has not been reported in the literature in individuals affected with BCL11B-related conditions. Advanced modeling of protein sequence and biophysical properties (such as structural, functional, and spatial information, amino acid conservation, physicochemical variation, residue mobility, and thermodynamic stability) performed at Invitae indicates that this missense variant is not expected to disrupt BCL11B protein function with a negative predictive value of 80%. In summary, the available evidence is currently insufficient to determine the role of this variant in disease. Therefore, it has been classified as a Variant of Uncertain Significance.

NM_138576.4(BCL11B):c.899G>T (p.Arg300Leu)

Gene: BCL11B (BCL11 transcription factor B; minus strand). Cytogenetic location: 14q32.2.
Variant type: single nucleotide variant.
Coding change: c.899G>T on transcript NM_138576.4 (MANE Select); coding-DNA position 899, G replaced by T.
Protein change: p.Arg300Leu; replaces arginine 300 with leucine.
Molecular consequence: missense variant.
Genome position (GRCh38, 1-based): chr14:99,175,937, C>A on the plus strand (G>T on the coding strand, the complement: BCL11B is on the minus strand). VCF-style: chr14-99175937-C-A. GRCh37 (hg19) VCF-style: chr14-99642274-C-A.
Other names: c.896G>T, p.Arg299Leu (NM_001282237.2); c.683G>T, p.Arg228Leu (NM_001282238.2); c.686G>T, p.Arg229Leu (NM_022898.3); short protein forms R229L, R299L, R300L, R228L.
Identifiers: ClinVar variation 3687628 (VCV003687628.2).